The following is an entry in ClinVar:

ClinVar aggregate classification (germline): Likely benign (1 of 4 stars; one submission).

Allele frequency attached by ClinVar (database versions not stated): gnomAD 0.00001; gnomAD exomes 0.00002; ExAC 0.00004.
gnomAD v4.1: 32 of 1,613,580 alleles (0.002%); highest among the groups gnomAD compares: Non-Finnish European, 0.0027%; no homozygotes.

Submission:

GeneDx
Classification: Likely benign. Last evaluated: 2017-09-07. Review status: criteria provided, single submitter. Criteria: GeneDx Variant Classification (06012015). Collection method: clinical testing. Allele origin: germline. Affected: yes.
Comment: This variant is considered likely benign or benign based on one or more of the following criteria: it is a conservative change, it occurs at a poorly conserved position in the protein, it is predicted to be benign by multiple in silico algorithms, and/or has population frequency not consistent with disease.

NM_005431.2(XRCC2):c.-17G>T

Gene: XRCC2 (X-ray repair cross complementing 2; minus strand). Cytogenetic location: 7q36.1.
Variant type: single nucleotide variant.
Coding change: c.-17G>T on transcript NM_005431.2 (MANE Select); 17 bases upstream of the start codon, G replaced by T.
Molecular consequence: 5 prime UTR variant.
Genome position (GRCh38, 1-based): chr7:152,676,096, C>A on the plus strand (G>T on the coding strand, the complement: XRCC2 is on the minus strand). VCF-style: chr7-152676096-C-A. GRCh37 (hg19) VCF-style: chr7-152373181-C-A.
Identifiers: ClinVar variation 382515 (VCV000382515.1), dbSNP rs760436323, ClinGen allele CA4582455.
Genomic context (GRCh38, chr7:152,676,096, plus strand): 5'-CTCACCTCGGTCCCAGACTCAGCCCTATGGAAGGCACTACACATCGCCCCGAAGGCTCGG[C>A]GCAGGAGAGACTCAACTTTCCCGCCACCAACGCCATTCACCAACTGCGCAGACTCTACGG-3'